The following is an entry in ClinVar:

ClinVar aggregate classification (germline): Benign. Review status: criteria provided, multiple submitters, no conflicts (2 of 4 stars). 11 submissions from 11 submitters: Benign (10). 1 of the submissions does not count toward it. Last evaluated 2026-02-04.

Conditions:
Hermansky-Pudlak syndrome (HPS). Also called: ALBINISM WITH HEMORRHAGIC DIATHESIS AND PIGMENTED RETICULOENDOTHELIAL CELLS. Identifiers: Orphanet 79430, MedGen C0079504, MONDO:0019312.
Hermansky-Pudlak syndrome 1 (HPS1). Also called: DELTA STORAGE POOL DISEASE. Identifiers: Orphanet 231500, Orphanet 79430, MedGen C2931875, MONDO:0008748, OMIM 203300.

Allele frequency attached by ClinVar (database versions not stated): ESP Exome Variant Server 0.06036; 1000 Genomes Project 0.02556; 1000 Genomes Project 30x 0.02670; TOPMed 0.04968.
gnomAD v4.1: 106,846 of 1,613,760 alleles (6.6%); highest among the groups gnomAD compares: Non-Finnish European, 7.9%; 4,014 homozygotes.

Submissions (11):

Labcorp Genetics (formerly Invitae), Labcorp
Classification: Benign. Last evaluated: 2026-02-04. Review status: criteria provided, single submitter. Criteria: Invitae Variant Classification Sherloc (09022015). Collection method: clinical testing. Allele origin: germline.

Blueprint Genetics
Classification: Benign. Last evaluated: 2024-11-27. Review status: criteria provided, single submitter. Criteria: ACMG Guidelines, 2015. Collection method: clinical testing. Allele origin: germline.

Mayo Clinic Laboratories, Mayo Clinic
Classification: Benign. Last evaluated: 2023-11-12. Review status: criteria provided, single submitter. Criteria: ACMG Guidelines, 2015. Collection method: clinical testing. Allele origin: germline. Observed: 59 variant alleles.

Fulgent Genetics
Classification: Benign for Hermansky-Pudlak syndrome 1. Last evaluated: 2021-09-17. Review status: criteria provided, single submitter. Criteria: ACMG Guidelines, 2015. Collection method: clinical testing. Allele origin: unknown.

Genome-Nilou Lab
Classification: Benign for Hermansky-Pudlak syndrome 1. Last evaluated: 2021-07-10. Review status: criteria provided, single submitter. Criteria: ACMG Guidelines, 2015. Collection method: clinical testing. Allele origin: germline. Affected: no.

GeneDx
Classification: Benign. Last evaluated: 2018-07-19. Review status: criteria provided, single submitter. Criteria: GeneDx Variant Classification Process June 2021. Collection method: clinical testing. Allele origin: germline. Affected: yes.

Illumina Laboratory Services, Illumina
Classification: Benign for Hermansky-Pudlak syndrome 1. Last evaluated: 2018-01-13. Review status: criteria provided, single submitter. Criteria: ICSL Variant Classification Criteria 13 December 2019. Collection method: clinical testing. Allele origin: germline.
Comment: This variant was observed in the ICSL laboratory as part of a predisposition screen in an ostensibly healthy population. It had not been previously curated by ICSL or reported in the Human Gene Mutation Database (HGMD: prior to June 1st, 2018), and was therefore a candidate for classification through an automated scoring system. Utilizing variant allele frequency, disease prevalence and penetrance estimates, and inheritance mode, an automated score was calculated to assess if this variant is too frequent to cause the disease. Based on the score and internal cut-off values, a variant classified as benign is not then subjected to further curation. The score for this variant resulted in a classification of benign for this disease.

Laboratory for Molecular Medicine, Mass General Brigham Personalized Medicine
Classification: Benign. Last evaluated: 2013-02-21. Review status: criteria provided, single submitter. Criteria: LMM Criteria. Collection method: clinical testing. Allele origin: germline. Observed: 9 variant alleles.
Comment: Gly283Trp in exon 9 of HPS1: This variant is not expected to have clinical signi ficance because it has been identified in 7.6% (652/8600) of European American c hromosomes from a broad population by the NHLBI Exome Sequencing Project (dbSNP rs11592273).

Breakthrough Genomics
Classification: Benign. Review status: criteria provided, single submitter. Criteria: ACMG Guidelines, 2015. Collection method: not provided. Allele origin: germline. Inheritance: Autosomal recessive inheritance. Affected: yes.

PreventionGenetics, part of Exact Sciences
Classification: Benign. Review status: criteria provided, single submitter. Criteria: ACMG Guidelines, 2015. Collection method: clinical testing. Allele origin: germline.

Natera, Inc.
Classification: Benign for Hermansky-Pudlak syndrome. Last evaluated: 2020-09-16. Review status: no assertion criteria provided. Collection method: clinical testing. Allele origin: germline. Not counted in ClinVar's aggregate classification.

NM_000195.5(HPS1):c.847G>T (p.Gly283Trp)

Gene: HPS1 (HPS1 biogenesis of lysosomal organelles complex 3 subunit 1; minus strand). Cytogenetic location: 10q24.2.
Variant type: single nucleotide variant.
Coding change: c.847G>T on transcript NM_000195.5 (MANE Select); coding-DNA position 847, G replaced by T.
Protein change: p.Gly283Trp; replaces glycine 283 with tryptophan.
Molecular consequence: missense variant. On other transcripts: 5 prime UTR variant (1), synonymous variant (1), intron variant (8).
Genome position (GRCh38, 1-based): chr10:98,429,811, C>A on the plus strand (G>T on the coding strand, the complement: HPS1 is on the minus strand). VCF-style: chr10-98429811-C-A. GRCh37 (hg19) VCF-style: chr10-100189568-C-A.
Other names: c.847G>T, p.Gly283Trp (NM_001322476.2, NM_001322477.2, NM_182639.4); c.586G>T, p.Gly196Trp (NM_001322480.2, NM_001322481.2); c.478G>T, p.Gly160Trp (NM_001322483.2, NM_001322484.2); c.-126G>T (NM_001322487.2); c.729G>T, p.Leu243= (NM_001322490.2); c.769-169G>T (NM_001322478.2, NM_001322479.2, NM_001322491.2); c.400-169G>T (NM_001322485.2); c.508-169G>T (NM_001322482.2); and 2 more; short protein forms G283W, G196W, G160W.
Identifiers: ClinVar variation 21108 (VCV000021108.29), dbSNP rs11592273, ClinGen allele CA183011.
Genomic context (GRCh38, chr10:98,429,811, plus strand): 5'-CCCCTCCTGCCCCTGACTCCACGAAGTGCACAGCACACACCGTCTCTGCAGAGCTCCCCC[C>A]AGTTGGGCCCGTGGAGTGAGGGCTCCAGGCCTGCTGCACGGGGATGTTCTGGCTGCTCCG-3'
Protein context (NP_000186.2, residues 273-293): AWSPHSTGPT[Gly283Trp]GSSAETETDS